The following is an entry in ClinVar:

ClinVar aggregate classification (germline): Likely benign (1 of 4 stars; one submission).

Allele frequency attached by ClinVar (database versions not stated): gnomAD 0.00050; gnomAD exomes 0.00082; 1000 Genomes Project 30x 0.00109; 1000 Genomes Project 0.00120; ExAC 0.00428.
gnomAD v4.1: 1,227 of 1,537,012 alleles (0.08%); highest among the groups gnomAD compares: South Asian, 0.93%; 17 homozygotes.

Submission:

CeGaT Center for Human Genetics Tuebingen
Classification: Likely benign. Last evaluated: 2023-01-01. Review status: criteria provided, single submitter. Criteria: CeGaT Center For Human Genetics Tuebingen Variant Classification Criteria Version 2. Collection method: clinical testing. Allele origin: germline. Affected: yes. Observed: 1 variant allele.
Comment: MUC12: BS2

NM_001164462.2(MUC12):c.14963G>T (p.Cys4988Phe)

Gene: MUC12 (mucin 12, cell surface associated; plus strand). Cytogenetic location: 7q22.1.
Variant type: single nucleotide variant.
Coding change: c.14963G>T on transcript NM_001164462.2 (MANE Select); coding-DNA position 14963, G replaced by T.
Protein change: p.Cys4988Phe; replaces cysteine 4988 with phenylalanine.
Molecular consequence: missense variant.
Genome position (GRCh38, 1-based): chr7:101,006,477, G>T. VCF-style: chr7-101006477-G-T. GRCh37 (hg19) VCF-style: chr7-100649758-G-T.
Other names: short protein forms C4988F.
Identifiers: ClinVar variation 2657830 (VCV002657830.24), dbSNP rs555137488, ClinGen allele CA4400546.